The following is an entry in ClinVar:

NM_024854.5(PYROXD1):c.843T>C (p.Thr281=)

Gene: PYROXD1 (pyridine nucleotide-disulphide oxidoreductase domain 1; plus strand). Cytogenetic location: 12p12.1.
Variant type: single nucleotide variant.
Coding change: c.843T>C on transcript NM_024854.5 (MANE Select); coding-DNA position 843, T replaced by C.
Protein change: p.Thr281=; no amino-acid change (threonine 281 retained).
Molecular consequence: synonymous variant.
Genome position (GRCh38, 1-based): chr12:21,461,117, T>C. VCF-style: chr12-21461117-T-C. GRCh37 (hg19) VCF-style: chr12-21614051-T-C.
Other names: c.630T>C, p.Thr210= (NM_001350912.2); c.66T>C, p.Thr22= (NM_001350913.2); c.843T>C (NM_024854.3).
Identifiers: ClinVar variation 1563775 (VCV001563775.9), dbSNP rs143417761, ClinGen allele CA6478349.

ClinVar aggregate classification (germline): Benign. Review status: criteria provided, single submitter (1 of 4 stars). 2 submissions from 2 submitters: Benign (1). 1 of the submissions does not count toward it. Last evaluated 2026-01-25.

Conditions:
PYROXD1-related disorder. Also called: PYROXD1-related condition.

Allele frequency attached by ClinVar (database versions not stated): gnomAD exomes 0.00018 and 0.00076; ESP Exome Variant Server 0.00023; gnomAD 0.00036 and 0.00048; TOPMed 0.00059; ExAC 0.00091; 1000 Genomes Project 30x 0.00219; 1000 Genomes Project 0.00240.
gnomAD v4.1: 360 of 1,588,034 alleles (0.023%); highest among the groups gnomAD compares: East Asian, 0.49%; no homozygotes.

Submissions (2):

Labcorp Genetics (formerly Invitae), Labcorp
Classification: Benign. Last evaluated: 2026-01-25. Review status: criteria provided, single submitter. Criteria: Invitae Variant Classification Sherloc (09022015). Collection method: clinical testing. Allele origin: germline.

PreventionGenetics, part of Exact Sciences
Classification: Benign for PYROXD1-related condition. Last evaluated: 2024-07-22. Review status: no assertion criteria provided. Collection method: clinical testing. Allele origin: germline. Not counted in ClinVar's aggregate classification.
Comment: This variant is classified as benign based on ACMG/AMP sequence variant interpretation guidelines (Richards et al. 2015 PMID: 25741868, with internal and published modifications).